The following is an entry in ClinVar:

ClinVar aggregate classification (germline): Benign. Review status: criteria provided, multiple submitters, no conflicts (2 of 4 stars). 5 submissions from 5 submitters: Benign (5). Last evaluated 2026-02-04.

Conditions:
Autosomal dominant nonsyndromic hearing loss 70. Also called: Deafness, autosomal dominant 70. Identifiers: Orphanet 90635, MedGen C4310775, MONDO:0014853, OMIM 616968.

Allele frequency attached by ClinVar (database versions not stated): gnomAD exomes 0.74230; ExAC 0.75523; 1000 Genomes Project 0.78994; 1000 Genomes Project 30x 0.79201; gnomAD 0.80690 and 0.81303; TOPMed 0.80824; ESP Exome Variant Server 0.82262.
gnomAD v4.1: 1,232,684 of 1,608,844 alleles (77%); highest among the groups gnomAD compares: African/African-American, 95%; 474,827 homozygotes.

Submissions (5):

Labcorp Genetics (formerly Invitae), Labcorp
Classification: Benign. Last evaluated: 2026-02-04. Review status: criteria provided, single submitter. Criteria: Invitae Variant Classification Sherloc (09022015). Collection method: clinical testing. Allele origin: germline.

Genome-Nilou Lab
Classification: Benign for Autosomal dominant nonsyndromic hearing loss 70. Last evaluated: 2021-09-05. Review status: criteria provided, single submitter. Criteria: ACMG Guidelines, 2015. Collection method: clinical testing. Allele origin: germline. Affected: no.

Mayo Clinic Laboratories, Mayo Clinic
Classification: Benign. Last evaluated: 2020-08-13. Review status: criteria provided, single submitter. Criteria: ACMG Guidelines, 2015. Collection method: clinical testing. Allele origin: germline. Observed: 146 variant alleles.

GeneDx
Classification: Benign. Last evaluated: 2017-05-09. Review status: criteria provided, single submitter. Criteria: GeneDx Variant Classification (06012015). Collection method: clinical testing. Allele origin: germline. Affected: yes.
Comment: This variant is considered likely benign or benign based on one or more of the following criteria: it is a conservative change, it occurs at a poorly conserved position in the protein, it is predicted to be benign by multiple in silico algorithms, and/or has population frequency not consistent with disease.

Breakthrough Genomics
Classification: Benign. Review status: criteria provided, single submitter. Criteria: ACMG Guidelines, 2015. Collection method: not provided. Allele origin: germline. Inheritance: Autosomal dominant inheritance. Affected: yes.

NM_004526.4(MCM2):c.2013+10A>G

Gene: MCM2 (minichromosome maintenance complex component 2; plus strand). Cytogenetic location: 3q21.3.
Variant type: single nucleotide variant.
Coding change: c.2013+10A>G on transcript NM_004526.4 (MANE Select); 10 bases into the intron after coding-DNA position 2013, A replaced by G.
Molecular consequence: intron variant.
Genome position (GRCh38, 1-based): chr3:127,618,091, A>G. VCF-style: chr3-127618091-A-G. GRCh37 (hg19) VCF-style: chr3-127336934-A-G.
Other names: p.?.
Identifiers: ClinVar variation 508099 (VCV000508099.13), dbSNP rs782427, ClinGen allele CA2596082.